The following is an entry in ClinVar:

NC_012920.1(MT-CO2):m.7896G>A

Gene: MT-CO2 (mitochondrially encoded cytochrome c oxidase II; plus strand).
Variant type: single nucleotide variant.
Genome position: chrM-7896-G-A.
Other names: 7896G-A.
Identifiers: ClinVar variation 9662 (VCV000009662.2), dbSNP rs199474829, ClinGen allele CA120607.
Genomic context (GRCh38, chrMT:7,896, plus strand): 5'-TTTACATAACAGACGAGGTCAACGATCCCTCCCTTACCATCAAATCAATTGGCCACCAAT[G>A]GTACTGAACCTACGAGTACACCGACTACGGCGGACTAATCTTCAACTCCTACATACTTCC-3'

ClinVar aggregate classification (germline): Pathogenic. Review status: reviewed by expert panel (3 of 4 stars). 2 submissions from 2 submitters: Pathogenic (1). 1 of the submissions does not count toward it. Last evaluated 2024-02-12.

Conditions:
Mitochondrial disease. Also called: Mitochondrial disorder; Mitochondrial disorders. Identifiers: Orphanet 68380, MedGen C0751651, MeSH D028361, MONDO:0044970.
Mitochondrial complex IV deficiency, nuclear type 1 (MC4DN1). Also called: COX DEFICIENCY; Mitochondrial complex IV deficiency; Complex 4 mitochondrial respiratory chain deficiency; Deficiency of mitochondrial respiratory chain complex4; Complex IV deficiency. Identifiers: MedGen C5435656, MONDO:0700250, OMIM 220110. Disease mechanism: loss of function.

Submissions (2):

ClinGen Mitochondrial Disease Nuclear and Mitochondrial  Variant Curation Expert Panel, ClinGen
Classification: Pathogenic for Mitochondrial disease. Last evaluated: 2024-02-12. Review status: reviewed by expert panel. Criteria: clingen mito disease acmg specifications v1-1. Collection method: curation. Allele origin: germline. Inheritance: Mitochondrial inheritance.
Comment: Complex IV deficiency was noted in muscle. The variant was present at 76% heteroplasmy in muscle, 67% in blood, and 60% in fibroblasts. There are no additional individuals reported with de novo occurrences of this variant to our knowledge. This variant is absent in the GenBank dataset, Helix dataset, and gnomAD v3.1.2 (PM2_supporting). There are no in silico predictors for this type of variant in mitochondrial DNA. This variant results in a significant truncation (52%) of the MT-CO2 protein (PVS1_strong). There were several compelling studies performed detailing functional validation (PS3_supporting). Activities and assembly of complexes I and IV (and of any COX-containing supercomplexes) were impaired in cybrid cell lines with the variant present at homoplasmy (PMID: 22342700). Single fiber testing showed higher levels of the variant in COX-deficient fibers (n = 9; 70.8 ± 8.1%) than in COX-positive fibers (n = 10; 17.6 ± 17.8%; p < 0.0001; PMID: 11558799). Immunoblot analysis in muscle from the proband revealed a 53% reduction of the COX II polypeptide and a 48% reduction of COX I polypeptide compared to controls (PMID: 11558799). In summary, this variant meets criteria to be classified as likely pathogenic for primary mitochondrial disease however, after extensive discussion, this Expert Panel elected to modify the classification to pathogenic given the compelling functional validation and variant type. We note that some experts on this panel felt likely pathogenic was the more appropriate classification. This classification was approved by the NICHD/NINDS U24 ClinGen Mitochondrial Disease Variant Curation Expert Panel on February 12, 2024. Mitochondrial DNA-specific ACMG/AMP criteria applied (PMID: 32906214): PM6_supporting, PS3_supporting, PM2_supporting, PVS1_strong.

OMIM
Classification: Pathogenic for CYTOCHROME c OXIDASE DEFICIENCY. Last evaluated: 2001-09-01. Review status: no assertion criteria provided. Collection method: literature only. Allele origin: germline. Not counted in ClinVar's aggregate classification.

Literature cited by the submitters: PubMed 11558799 (cited by ClinGen Mitochondrial Disease Nuclear and Mitochondrial  Variant Curation Expert Panel, ClinGen and OMIM); PubMed 22342700 (cited by ClinGen Mitochondrial Disease Nuclear and Mitochondrial  Variant Curation Expert Panel, ClinGen).